The following is an entry in ClinVar:

NM_004320.6(ATP2A1):c.1764_1764+2delinsTGG

Gene: ATP2A1 (ATPase sarcoplasmic/endoplasmic reticulum Ca2+ transporting 1; plus strand). Cytogenetic location: 16p11.2.
Variant type: Indel.
Coding change: c.1764_1764+2delinsTGG on transcript NM_004320.6 (MANE Select); coding-DNA position 1764 through the canonical splice donor site of the intron after coding-DNA position 1764, GGT replaced by TGG.
Molecular consequence: splice donor variant.
Genome position (GRCh38, 1-based): chr16:28,898,451-28,898,453, GGT replaced by TGG. VCF-style: chr16-28898451-GGT-TGG. GRCh37 (hg19) VCF-style: chr16-28909772-GGT-TGG.
Other names: c.1764_1764+2delinsTGG (NM_173201.5, NM_173201.4); c.1389_1389+2delinsTGG (NM_001286075.2).
Identifiers: ClinVar variation 646834 (VCV000646834.8), dbSNP rs1596682330, ClinGen allele CA915949226.

ClinVar aggregate classification (germline): Likely pathogenic. Review status: criteria provided, multiple submitters, no conflicts (2 of 4 stars). 2 submissions from 2 submitters: Likely pathogenic (2). Last evaluated 2023-10-03.

Conditions:
Brody myopathy. Also called: BRODY DISEASE. Identifiers: Orphanet 53347, MedGen C1832918, MONDO:0010977, OMIM 601003.

Submissions (2):

Labcorp Genetics (formerly Invitae), Labcorp
Classification: Likely pathogenic for Brody myopathy. Last evaluated: 2023-10-03. Review status: criteria provided, single submitter. Criteria: Invitae Variant Classification Sherloc (09022015). Collection method: clinical testing. Allele origin: germline.
Comment: This sequence change affects a donor splice site in intron 14 of the ATP2A1 gene. It is expected to disrupt RNA splicing. Variants that disrupt the donor or acceptor splice site typically lead to a loss of protein function (PMID: 16199547), and loss-of-function variants in ATP2A1 are known to be pathogenic (PMID: 8841193, 10914677, 23911890). This variant is not present in population databases (gnomAD no frequency). This variant has not been reported in the literature in individuals affected with ATP2A1-related conditions. Algorithms developed to predict the effect of sequence changes on RNA splicing suggest that this variant may disrupt the consensus splice site. In summary, the currently available evidence indicates that the variant is pathogenic, but additional data are needed to prove that conclusively. Therefore, this variant has been classified as Likely Pathogenic.

Revvity Omics, Revvity
Classification: Likely pathogenic for Brody myopathy. Last evaluated: 2023-01-04. Review status: criteria provided, single submitter. Criteria: ACMG Guidelines, 2015. Collection method: clinical testing. Allele origin: germline.

Literature cited by the submitters: PubMed 16199547 (cited by Labcorp Genetics (formerly Invitae), Labcorp); PubMed 8841193 (cited by Labcorp Genetics (formerly Invitae), Labcorp); PubMed 10914677 (cited by Labcorp Genetics (formerly Invitae), Labcorp); PubMed 23911890 (cited by Labcorp Genetics (formerly Invitae), Labcorp).